The following is an entry in ClinVar:

ClinVar aggregate classification (germline): Uncertain significance (1 of 4 stars; one submission).

Conditions:
Glycogen storage disease due to muscle beta-enolase deficiency (GSD13). Also called: ENOLASE 3 DEFICIENCY; ENOLASE-BETA DEFICIENCY; GSD XIII; Glycogen Storage Disease Type XIII. Identifiers: Orphanet 99849, MedGen C2752027, MONDO:0013046, OMIM 612932.

Allele frequency attached by ClinVar (database versions not stated): gnomAD exomes below 0.00001; gnomAD 0.00001; TOPMed 0.00001; ExAC 0.00002.

Submission:

Labcorp Genetics (formerly Invitae), Labcorp
Classification: Uncertain significance for Glycogen storage disease due to muscle beta-enolase deficiency. Last evaluated: 2024-11-04. Review status: criteria provided, single submitter. Criteria: Invitae Variant Classification Sherloc (09022015). Collection method: clinical testing. Allele origin: germline.
Comment: This sequence change replaces threonine, which is neutral and polar, with isoleucine, which is neutral and non-polar, at codon 305 of the ENO3 protein (p.Thr305Ile). This variant is present in population databases (rs748358058, gnomAD 0.007%). This variant has not been reported in the literature in individuals affected with ENO3-related conditions. ClinVar contains an entry for this variant (Variation ID: 2067254). Invitae Evidence Modeling of protein sequence and biophysical properties (such as structural, functional, and spatial information, amino acid conservation, physicochemical variation, residue mobility, and thermodynamic stability) indicates that this missense variant is not expected to disrupt ENO3 protein function with a negative predictive value of 80%. In summary, the available evidence is currently insufficient to determine the role of this variant in disease. Therefore, it has been classified as a Variant of Uncertain Significance.

NM_053013.4(ENO3):c.914C>T (p.Thr305Ile)

Gene: ENO3 (enolase 3; plus strand). Cytogenetic location: 17p13.2.
Variant type: single nucleotide variant.
Coding change: c.914C>T on transcript NM_053013.4 (MANE Select); coding-DNA position 914, C replaced by T.
Protein change: p.Thr305Ile; replaces threonine 305 with isoleucine.
Molecular consequence: missense variant.
Genome position (GRCh38, 1-based): chr17:4,955,990, C>T. VCF-style: chr17-4955990-C-T. GRCh37 (hg19) VCF-style: chr17-4859285-C-T.
Other names: c.941C>T, p.Thr314Ile (NM_001374524.1); c.914C>T, p.Thr305Ile (NM_001976.5, NM_001374523.1); c.785C>T, p.Thr262Ile (NM_001193503.2); short protein forms T314I, T262I, T305I.
Identifiers: ClinVar variation 2067254 (VCV002067254.3), dbSNP rs748358058, ClinGen allele CA8316493.